The following is an entry in ClinVar:

NM_005476.7(GNE):c.32G>A (p.Arg11Gln)

Gene: GNE (glucosamine (UDP-N-acetyl)-2-epimerase/N-acetylmannosamine kinase; minus strand). Cytogenetic location: 9p13.3.
Variant type: single nucleotide variant.
Coding change: c.32G>A on transcript NM_005476.7 (MANE Select); coding-DNA position 32, G replaced by A.
Protein change: p.Arg11Gln; replaces arginine 11 with glutamine.
Molecular consequence: missense variant. On other transcripts: intron variant (3).
Genome position (GRCh38, 1-based): chr9:36,249,324, C>T on the plus strand (G>A on the coding strand, the complement: GNE is on the minus strand). VCF-style: chr9-36249324-C-T. GRCh37 (hg19) VCF-style: chr9-36249321-C-T.
Other names: c.125G>A, p.Arg42Gln (NM_001128227.3); c.32G>A, p.Arg11Gln (NM_001190383.3, NM_001374797.1); c.-13-2842G>A (NM_001190388.2, NM_001190384.3, NM_001374798.1); short protein forms R11Q, R42Q.
Identifiers: ClinVar variation 596639 (VCV000596639.18), dbSNP rs1401082365, ClinGen allele CA373422137.
Genomic context (GRCh38, chr9:36,249,324, plus strand): 5'-CCAAACATGATCGGGGCAAGTTTAGAATAATCTGCACGGTTACAAGTAGCAACACAAACC[C>T]GCAGCTTTCGGTTATTTCCATTCTTCTCCATGATTTGCTTGTTTCGTTTTGAGAGGTTCT-3'
Protein context (NP_005467.1, residues 1-21): MEKNGNNRKL[Arg11Gln]VCVATCNRAD

ClinVar aggregate classification (germline): Conflicting classifications of pathogenicity. Review status: criteria provided, conflicting classifications (1 of 4 stars). 5 submissions from 5 submitters: Pathogenic (1); Likely pathogenic (3); Uncertain significance (1). Last evaluated 2025-06-30.

Conditions:
Sialuria. Also called: SIALURIA, FRENCH TYPE; Sialic Acid Storage Disease. Identifiers: Orphanet 3166, MedGen C0342853, MONDO:0010028, OMIM 269921.
Thrombocytopenia 12 with or without myopathy (THC12). Identifiers: MedGen C5935593, MONDO:0958325, OMIM 620757.
GNE myopathy (NM). Also called: NONAKA DISTAL MYOPATHY; INCLUSION BODY MYOPATHY, HEREDITARY, AUTOSOMAL RECESSIVE; INCLUSION BODY MYOPATHY 2, AUTOSOMAL RECESSIVE; MYOPATHY, DISTAL, WITH OR WITHOUT RIMMED VACUOLES; IBM 2; Inclusion body myopathy autosomal recessive. Identifiers: Orphanet 602, MedGen C1853926, MONDO:0011603, OMIM 605820.

Allele frequency attached by ClinVar (database versions not stated): TOPMed 0.00001; gnomAD 0.00002; gnomAD exomes 0.00001 and below 0.00001.
gnomAD v4.1: 8 of 1,613,810 alleles (0.0005%); highest among the groups gnomAD compares: East Asian, 0.0022%; no homozygotes.

Submissions (5):

Natera, Inc.
Classification: Likely pathogenic for Nonaka myopathy. Last evaluated: 2025-06-30. Review status: criteria provided, single submitter. Criteria: Natera Variant Classification Schema (03/2026). Collection method: clinical testing. Allele origin: germline.
Comment: The c.125G>A variant in GNE is a missense variant predicted to cause substitution of arginine to glutamine at amino acid 42. This variant is rare in the general population with a frequency below the threshold expected for the associated phenotype(s). This variant has been observed in one or more individuals affected with the associated recessive disease, as either homozygous or compound heterozygous with a second variant (PMID: 34676965). Additionally, this variant has been observed to segregate in affected family members (PMID: 35438352). A different variant at the same position has been determined to be Pathogenic or Likely Pathogenic. Given the available evidence, this variant is classified as Likely Pathogenic.

Fulgent Genetics
Classification: Likely pathogenic for Sialuria; GNE myopathy; Thrombocytopenia 12 with or without myopathy. Last evaluated: 2024-05-22. Review status: criteria provided, single submitter. Criteria: ACMG Guidelines, 2015. Collection method: clinical testing. Allele origin: germline.

Women's Health and Genetics/Laboratory Corporation of America, LabCorp
Classification: Likely pathogenic for GNE myopathy. Last evaluated: 2024-03-22. Review status: criteria provided, single submitter. Criteria: LabCorp Variant Classification Summary - May 2015. Collection method: clinical testing. Allele origin: germline.
Comment: Variant summary: GNE c.125G>A (p.Arg42Gln) results in a conservative amino acid change in the encoded protein sequence. Three of five in-silico tools predict a benign effect of the variant on protein function. The variant allele was found at a frequency of 4e-06 in 251378 control chromosomes (gnomAD). The variant, c.125G>A, has been reported in the literature in compound heterozygous individuals affected with Inclusion Body Myopathy 2 (e.g. Paul_2020, Zhang_2021). To our knowledge, no experimental evidence demonstrating an impact on protein function has been reported. However, a different missense change affecting the same amino acid (R42W) has been reported in several patients affected with GNE myopathy and is classified as (likely) pathogenic in ClinVar by multiple labs (Variation ID 550820). The following publications have been ascertained in the context of this evaluation (PMID: 32505938, 34676965). ClinVar contains an entry for this variant (Variation ID: 596639). Based on the evidence outlined above, the variant was classified as likely pathogenic.

Labcorp Genetics (formerly Invitae), Labcorp
Classification: Pathogenic for Sialuria; GNE myopathy. Last evaluated: 2024-01-15. Review status: criteria provided, single submitter. Criteria: Invitae Variant Classification Sherloc (09022015). Collection method: clinical testing. Allele origin: germline.
Comment: This sequence change replaces arginine, which is basic and polar, with glutamine, which is neutral and polar, at codon 42 of the GNE protein (p.Arg42Gln). This variant is present in population databases (no rsID available, gnomAD 0.004%). This missense change has been observed in individual(s) with GNE-related myopathy (PMID: 32505938; Invitae). In at least one individual the data is consistent with being in trans (on the opposite chromosome) from a pathogenic variant. ClinVar contains an entry for this variant (Variation ID: 596639). Advanced modeling of protein sequence and biophysical properties (such as structural, functional, and spatial information, amino acid conservation, physicochemical variation, residue mobility, and thermodynamic stability) has been performed at Invitae for this missense variant, however the output from this modeling did not meet the statistical confidence thresholds required to predict the impact of this variant on GNE protein function. Algorithms developed to predict the effect of sequence changes on RNA splicing suggest that this variant may create or strengthen a splice site. This variant disrupts the p.Arg42 amino acid residue in GNE. Other variant(s) that disrupt this residue have been determined to be pathogenic (PMID: 14972325, 16503651, 29480215). This suggests that this residue is clinically significant, and that variants that disrupt this residue are likely to be disease-causing. For these reasons, this variant has been classified as Pathogenic.

Eurofins Ntd Llc (ga)
Classification: Uncertain significance. Last evaluated: 2018-04-04. Review status: criteria provided, single submitter. Criteria: EGL ClinVar v180209 classification definitions. Collection method: clinical testing. Allele origin: germline. Observed: 1 variant allele, 1 heterozygote.

Literature cited by the submitters: PubMed 34676965 (cited by Natera, Inc. and Women's Health and Genetics/Laboratory Corporation of America, LabCorp); PubMed 35438352 (cited by Natera, Inc.); PubMed 32505938 (cited by Women's Health and Genetics/Laboratory Corporation of America, LabCorp and Labcorp Genetics (formerly Invitae), Labcorp); PubMed 14972325 (cited by Labcorp Genetics (formerly Invitae), Labcorp); PubMed 16503651 (cited by Labcorp Genetics (formerly Invitae), Labcorp); PubMed 29480215 (cited by Labcorp Genetics (formerly Invitae), Labcorp).